The following is an entry in ClinVar:

NM_001253697.2(ERBIN):c.1015C>G (p.Pro339Ala)

Gene: ERBIN (erbb2 interacting protein; plus strand). Cytogenetic location: 5q12.3.
Variant type: single nucleotide variant.
Coding change: c.1015C>G on transcript NM_001253697.2 (MANE Select); coding-DNA position 1015, C replaced by G.
Protein change: p.Pro339Ala; replaces proline 339 with alanine.
Molecular consequence: missense variant.
Genome position (GRCh38, 1-based): chr5:66,025,972, C>G. VCF-style: chr5-66025972-C-G. GRCh37 (hg19) VCF-style: chr5-65321800-C-G.
Other names: c.1015C>G, p.Pro339Ala (NM_001006600.3, NM_001253698.2, NM_001253699.2 and 2 more transcripts); short protein forms P339A.
Identifiers: ClinVar variation 2631412 (VCV002631412.4), dbSNP rs761113985, ClinGen allele CA3286115.

ClinVar aggregate classification (germline): Uncertain significance. Review status: criteria provided, multiple submitters, no conflicts (2 of 4 stars). 2 submissions from 2 submitters: Uncertain significance (2). Last evaluated 2023-12-11.

Conditions:
ERBIN-related disorder. Also called: ERBIN-related condition.

Allele frequency attached by ClinVar (database versions not stated): gnomAD 0.00001; ExAC 0.00002.
gnomAD v4.1: 20 of 1,578,022 alleles (0.0013%); highest among the groups gnomAD compares: East Asian, 0.045%; no homozygotes.

Submissions (2):

Labcorp Genetics (formerly Invitae), Labcorp
Classification: Uncertain significance. Last evaluated: 2023-12-11. Review status: criteria provided, single submitter. Criteria: Invitae Variant Classification Sherloc (09022015). Collection method: clinical testing. Allele origin: germline.
Comment: This sequence change replaces proline, which is neutral and non-polar, with alanine, which is neutral and non-polar, at codon 339 of the ERBIN protein (p.Pro339Ala). This variant is present in population databases (rs761113985, gnomAD 0.03%). This variant has not been reported in the literature in individuals affected with ERBIN-related conditions. An algorithm developed to predict the effect of missense changes on protein structure and function (PolyPhen-2) suggests that this variant is likely to be tolerated. In summary, the available evidence is currently insufficient to determine the role of this variant in disease. Therefore, it has been classified as a Variant of Uncertain Significance.

PreventionGenetics, part of Exact Sciences
Classification: Uncertain significance for ERBIN-related condition. Last evaluated: 2023-08-01. Review status: criteria provided, single submitter. Criteria: ACMG Guidelines, 2015. Collection method: clinical testing. Allele origin: germline.
Comment: The ERBIN c.1015C>G variant is predicted to result in the amino acid substitution p.Pro339Ala. To our knowledge, this variant has not been reported in the literature. This variant is reported in 0.020% of alleles in individuals of East Asian descent in gnomAD. At this time, the clinical significance of this variant is uncertain due to the absence of conclusive functional and genetic evidence.